The following is an entry in ClinVar:

ClinVar aggregate classification (germline): Uncertain significance (1 of 4 stars; one submission).

Conditions:
Tuberous sclerosis 1 (TSC1). Identifiers: Orphanet 805, MedGen C1854465, MONDO:0008612, OMIM 191100.

Submission:

Labcorp Genetics (formerly Invitae), Labcorp
Classification: Uncertain significance for Tuberous sclerosis 1. Last evaluated: 2022-09-27. Review status: criteria provided, single submitter. Criteria: Invitae Variant Classification Sherloc (09022015). Collection method: clinical testing. Allele origin: germline.
Comment: In summary, the available evidence is currently insufficient to determine the role of this variant in disease. Therefore, it has been classified as a Variant of Uncertain Significance. Advanced modeling of protein sequence and biophysical properties (such as structural, functional, and spatial information, amino acid conservation, physicochemical variation, residue mobility, and thermodynamic stability) performed at Invitae indicates that this missense variant is not expected to disrupt TSC1 protein function. ClinVar contains an entry for this variant (Variation ID: 1399482). This variant has not been reported in the literature in individuals affected with TSC1-related conditions. This variant is not present in population databases (gnomAD no frequency). This sequence change replaces glutamine, which is neutral and polar, with histidine, which is basic and polar, at codon 694 of the TSC1 protein (p.Gln694His).

NM_000368.5(TSC1):c.2082G>T (p.Gln694His)

Gene: TSC1 (TSC complex subunit 1; minus strand). Cytogenetic location: 9q34.13.
Variant type: single nucleotide variant.
Coding change: c.2082G>T on transcript NM_000368.5 (MANE Select); coding-DNA position 2082, G replaced by T.
Protein change: p.Gln694His; replaces glutamine 694 with histidine.
Molecular consequence: missense variant.
Genome position (GRCh38, 1-based): chr9:132,903,777, C>A on the plus strand (G>T on the coding strand, the complement: TSC1 is on the minus strand). VCF-style: chr9-132903777-C-A. GRCh37 (hg19) VCF-style: chr9-135779164-C-A.
Other names: c.2079G>T, p.Gln693His (NM_001162426.2); c.1929G>T, p.Gln643His (NM_001162427.2); c.1719G>T, p.Gln573His (NM_001362177.2); short protein forms Q573H, Q693H, Q694H, Q643H.
Identifiers: ClinVar variation 1399482 (VCV001399482.8), dbSNP rs2131771543, ClinGen allele CA375361094.